The following is an entry in ClinVar:

ClinVar aggregate classification (germline): Uncertain significance (1 of 4 stars; one submission).

Conditions:
Beckwith-Wiedemann syndrome (BWS). Also called: Exomphalos macroglossia gigantism syndrome; EMG SYNDROME. Identifiers: Orphanet 116, MedGen C0004903, MONDO:0007534, OMIM 130650.

Submission:

Labcorp Genetics (formerly Invitae), Labcorp
Classification: Uncertain significance for Beckwith-Wiedemann syndrome. Last evaluated: 2023-02-28. Review status: criteria provided, single submitter. Criteria: Invitae Variant Classification Sherloc (09022015). Collection method: clinical testing. Allele origin: germline.
Comment: This sequence change replaces alanine, which is neutral and non-polar, with threonine, which is neutral and polar, at codon 183 of the CDKN1C protein (p.Ala183Thr). The frequency data for this variant in the population databases is considered unreliable, as metrics indicate insufficient coverage at this position in the gnomAD database. This variant has not been reported in the literature in individuals affected with CDKN1C-related conditions. Advanced modeling of protein sequence and biophysical properties (such as structural, functional, and spatial information, amino acid conservation, physicochemical variation, residue mobility, and thermodynamic stability) performed at Invitae indicates that this missense variant is not expected to disrupt CDKN1C protein function. In summary, the available evidence is currently insufficient to determine the role of this variant in disease. Therefore, it has been classified as a Variant of Uncertain Significance.

NM_001122630.2(CDKN1C):c.514G>A (p.Ala172Thr)

Gene: CDKN1C (cyclin dependent kinase inhibitor 1C; minus strand). Cytogenetic location: 11p15.4.
Variant type: single nucleotide variant.
Coding change: c.514G>A on transcript NM_001122630.2 (MANE Select); coding-DNA position 514, G replaced by A.
Protein change: p.Ala172Thr; replaces alanine 172 with threonine.
Molecular consequence: missense variant. On other transcripts: intron variant (1).
Genome position (GRCh38, 1-based): chr11:2,884,943, C>T on the plus strand (G>A on the coding strand, the complement: CDKN1C is on the minus strand). VCF-style: chr11-2884943-C-T. GRCh37 (hg19) VCF-style: chr11-2906173-C-T.
Other names: c.547G>A, p.Ala183Thr (NM_000076.2, NM_001362474.2); c.514G>A, p.Ala172Thr (NM_001122631.2); c.255+259G>A (NM_001362475.2); short protein forms A183T, A172T.
Identifiers: ClinVar variation 2839092 (VCV002839092.3), dbSNP rs1590149989, ClinGen allele CA379146488.